The following is an entry in ClinVar:

NM_006662.3(SRCAP):c.5623C>A (p.Gln1875Lys)

Gene: SRCAP (Snf2 related CREBBP activator protein; plus strand). Cytogenetic location: 16p11.2.
Variant type: single nucleotide variant.
Coding change: c.5623C>A on transcript NM_006662.3 (MANE Select); coding-DNA position 5623, C replaced by A.
Protein change: p.Gln1875Lys; replaces glutamine 1875 with lysine.
Molecular consequence: missense variant.
Genome position (GRCh38, 1-based): chr16:30,725,047, C>A. VCF-style: chr16-30725047-C-A. GRCh37 (hg19) VCF-style: chr16-30736368-C-A.
Other names: short protein forms Q1875K.
Identifiers: ClinVar variation 3363424 (VCV003363424.1).

ClinVar aggregate classification (germline): Uncertain significance (1 of 4 stars; one submission).

Submission:

GeneDx
Classification: Uncertain significance. Last evaluated: 2023-10-23. Review status: criteria provided, single submitter. Criteria: GeneDx Variant Classification Process June 2021. Collection method: clinical testing. Allele origin: germline. Affected: yes.
Comment: Not observed at significant frequency in large population cohorts (gnomAD); In silico analysis supports that this missense variant does not alter protein structure/function; Has not been previously published as pathogenic or benign to our knowledge